The following is an entry in ClinVar:

ClinVar aggregate classification (germline): Pathogenic. Review status: reviewed by expert panel (3 of 4 stars). 3 submissions from 3 submitters: Pathogenic (1). 2 of the submissions do not count toward it. Last evaluated 2016-10-18.

Conditions:
Hereditary breast ovarian cancer syndrome. Also called: Hereditary breast and ovarian cancer syndrome (HBOC); Breast and ovarian cancer; Hereditary breast and ovarian cancer syndrome; Hereditary breast and ovarian cancer; BRCA1- and BRCA2-Associated Hereditary Breast and Ovarian Cancer; Hereditary breast and/or ovarian cancer syndrome. Identifiers: Orphanet 145, MedGen C0677776, MeSH D061325, MONDO:0003582. Disease mechanism: loss of function.
Breast-ovarian cancer, familial, susceptibility to, 1 (BROVCA1). Also called: BRCA1 Hereditary Breast and Ovarian Cancer; OVARIAN CANCER, SUSCEPTIBILITY TO. Identifiers: Orphanet 145, MedGen C2676676, MONDO:0011450, OMIM 604370. Disease mechanism: loss of function.

Submissions (3):

Evidence-based Network for the Interpretation of Germline Mutant Alleles (ENIGMA)
Classification: Pathogenic for Breast-ovarian cancer, familial, susceptibility to, 1. Last evaluated: 2016-10-18. Review status: reviewed by expert panel. Criteria: ENIGMA BRCA1/2 Classification Criteria (2015). Collection method: curation. Allele origin: germline.
Comment: Variant allele predicted to encode a truncated non-functional protein.

Research Molecular Genetics Laboratory, Women's College Hospital, University of Toronto
Classification: Pathogenic for Hereditary breast ovarian cancer syndrome. Last evaluated: 2014-01-31. Review status: no assertion criteria provided. Collection method: research. Allele origin: germline. Affected: yes. Study: The Canadian Open Genetics Repository (COGR). Not counted in ClinVar's aggregate classification.

Department of Pathology and Laboratory Medicine, Sinai Health System
Classification: Uncertain significance. Review status: no assertion criteria provided. Collection method: clinical testing. Allele origin: unknown. Affected: yes. Observed: 1 variant allele. Study: The Canadian Open Genetics Repository (COGR). Not counted in ClinVar's aggregate classification.

NM_007294.4(BRCA1):c.4036del (p.Glu1346fs)

Genes: BRCA1 (BRCA1 DNA repair associated; minus strand), LOC126862571 (BRD4-independent group 4 enhancer GRCh37_chr17:41243136-41244335; plus strand). Cytogenetic location: 17q21.31.
Variant type: Deletion.
Coding change: c.4036del on transcript NM_007294.4 (MANE Select); coding-DNA position 4036, one base deleted (G; older notation c.4036delG).
Protein change: p.Glu1346fs; shifts the reading frame from glutamic acid 1346.
Molecular consequence: frameshift variant. On other transcripts: intron variant (135).
Genome position (GRCh38, 1-based): chr17:43,091,495, C deleted on the plus strand (G on the coding strand, the reverse complement: BRCA1 is on the minus strand). VCF-style (leftmost placement, unchanged base first): chr17-43091494-TC-T. GRCh37 (hg19) VCF-style: chr17-41243511-TC-T.
Other names: 4155delG; c.3823del, p.Glu1275fs (NM_001407571.1, NM_001407853.1, NM_001407894.1 and 9 more transcripts); c.4036del, p.Glu1346fs (NM_001407581.1, NM_001407582.1, NM_001407583.1 and 30 more transcripts); c.4033del, p.Glu1345fs (NM_001407587.1, NM_001407590.1, NM_001407591.1 and 22 more transcripts); c.4027del, p.Glu1343fs (NM_001407646.1, NM_001407647.1); c.3913del, p.Glu1305fs (NM_001407648.1, NM_001407664.1, NM_001407665.1 and 19 more transcripts); c.3910del, p.Glu1304fs (NM_001407649.1, NM_001407670.1, NM_001407671.1 and 11 more transcripts); c.3958del, p.Glu1320fs (NM_001407653.1, NM_001407654.1, NM_001407655.1 and 4 more transcripts); and 42 more; short protein forms E1299fs, E1346fs, E1235fs, E1257fs, E1298fs, E1305fs, E1319fs, E1343fs.
Identifiers: ClinVar variation 266431 (VCV000266431.5), dbSNP rs886040189, ClinGen allele CA10589701.
Genomic context (GRCh38, chr17:43,091,494, plus strand): 5'-CCTAAGTTTGAATCCATGCTTTGCTCTTCTTGATTATTTTCTTCCAAGCCCGTTCCTCTT[TC>T]TTCATCATCTGAAACCAATTCCTTGTCACTCAGACCAACTCCCTGGCTTTCAGACTGATG-3'